The following is an entry in ClinVar:

ClinVar aggregate classification (germline): Uncertain significance. Review status: criteria provided, multiple submitters, no conflicts (2 of 4 stars). 5 submissions from 5 submitters: Uncertain significance (5). Last evaluated 2025-05-04.

Conditions:
Inborn genetic diseases. Identifiers: MedGen C0950123, MeSH D030342.
Autosomal recessive limb-girdle muscular dystrophy type R18 (LGMDR18). Also called: Limb-girdle muscular dystrophy, type 2S; MUSCULAR DYSTROPHY, LIMB-GIRDLE, AUTOSOMAL RECESSIVE 18; Autosomal recessive limb-girdle muscular dystrophy type 2S. Identifiers: Orphanet 369840, MedGen C4517996, MONDO:0014144, OMIM 615356.

Allele frequency attached by ClinVar (database versions not stated): TOPMed 0.00009; gnomAD exomes 0.00009 and 0.00018; gnomAD 0.00007; ExAC 0.00012; ESP Exome Variant Server 0.00008.
gnomAD v4.1: 262 of 1,613,498 alleles (0.016%); highest among the groups gnomAD compares: Non-Finnish European, 0.022%; no homozygotes.

Submissions (6):

Ambry Genetics
Classification: Uncertain significance for Inborn genetic diseases. Last evaluated: 2025-05-04. Review status: criteria provided, single submitter. Criteria: Ambry Variant Classification Scheme 2023. Collection method: clinical testing. Allele origin: germline.

Labcorp Genetics (formerly Invitae), Labcorp
Classification: Uncertain significance for Autosomal recessive limb-girdle muscular dystrophy type R18. Last evaluated: 2024-07-24. Review status: criteria provided, single submitter. Criteria: Invitae Variant Classification Sherloc (09022015). Collection method: clinical testing. Allele origin: germline.
Comment: This sequence change replaces glycine, which is neutral and non-polar, with serine, which is neutral and polar, at codon 1071 of the TRAPPC11 protein (p.Gly1071Ser). This variant is present in population databases (rs141588557, gnomAD 0.02%). This variant has not been reported in the literature in individuals affected with TRAPPC11-related conditions. ClinVar contains an entry for this variant (Variation ID: 474363). Advanced modeling of protein sequence and biophysical properties (such as structural, functional, and spatial information, amino acid conservation, physicochemical variation, residue mobility, and thermodynamic stability) performed at Invitae indicates that this missense variant is not expected to disrupt TRAPPC11 protein function with a negative predictive value of 80%. In summary, the available evidence is currently insufficient to determine the role of this variant in disease. Therefore, it has been classified as a Variant of Uncertain Significance.

Revvity Omics, Revvity
Classification: Uncertain significance for Autosomal recessive limb-girdle muscular dystrophy type R18. Last evaluated: 2023-10-31. Review status: criteria provided, single submitter. Criteria: ACMG Guidelines, 2015. Collection method: clinical testing. Allele origin: germline.

Athena Diagnostics
Classification: Uncertain significance. Last evaluated: 2023-01-09. Review status: criteria provided, single submitter. Criteria: Athena Diagnostics Criteria. Collection method: clinical testing. Allele origin: unknown.
Comment: Available data are insufficient to determine the clinical significance of the variant at this time. The frequency of this variant in the general population is uninformative in assessment of its pathogenicity. Computational tools predict that this variant is not damaging.

GeneDx
Classification: Uncertain significance. Last evaluated: 2019-04-08. Review status: criteria provided, single submitter. Criteria: GeneDx Variant Classification Process June 2021. Collection method: clinical testing. Allele origin: germline. Affected: yes.
Comment: Has not been previously published as pathogenic or benign to our knowledge; In silico analysis, which includes splice predictors and evolutionary conservation, suggests this variant may impact gene splicing. In the absence of RNA/functional studies, the actual effect of this sequence change is unknown.; In silico predictors and evolutionary conservation suggest the missense change does not alter protein structure/function

Dr. Peter K. Rogan Lab, Western University
No classification provided (evidence only). Condition: Ovarian serous cystadenocarcinoma. Review status: no classification provided. Collection method: in vitro. Allele origin: not applicable. Functional consequence: retained intron. Not counted in ClinVar's aggregate classification.

Literature cited by the submitters: PubMed 29590070 (cited by Athena Diagnostics).

NM_021942.6(TRAPPC11):c.3211G>A (p.Gly1071Ser)

Gene: TRAPPC11 (trafficking protein particle complex subunit 11; plus strand). Cytogenetic location: 4q35.1.
Variant type: single nucleotide variant.
Coding change: c.3211G>A on transcript NM_021942.6 (MANE Select); coding-DNA position 3211, G replaced by A.
Protein change: p.Gly1071Ser; replaces glycine 1071 with serine.
Molecular consequence: missense variant. On other transcripts: intron variant (1).
Genome position (GRCh38, 1-based): chr4:183,708,428, G>A. VCF-style: chr4-183708428-G-A. GRCh37 (hg19) VCF-style: chr4-184629581-G-A.
Other names: c.3211G>A (NM_021942.4); c.3199+12G>A (NM_199053.3); short protein forms G1071S.
Identifiers: ClinVar variation 474363 (VCV000474363.13), dbSNP rs141588557, ClinGen allele CA3152479.